The following is an entry in ClinVar:

NM_007294.4(BRCA1):c.102T>C (p.Pro34=)

Gene: BRCA1 (BRCA1 DNA repair associated; minus strand). Cytogenetic location: 17q21.31.
Variant type: single nucleotide variant.
Coding change: c.102T>C on transcript NM_007294.4 (MANE Select); coding-DNA position 102, T replaced by C.
Protein change: p.Pro34=; no amino-acid change (proline 34 retained).
Molecular consequence: synonymous variant. On other transcripts: 5 prime UTR variant (132), intron variant (41).
Genome position (GRCh38, 1-based): chr17:43,115,758, A>G on the plus strand (T>C on the coding strand, the complement: BRCA1 is on the minus strand). VCF-style: chr17-43115758-A-G. GRCh37 (hg19) VCF-style: chr17-41267775-A-G.
Other names: c.-87T>C (NM_001407571.1, NM_001407853.1, NM_001407879.1 and 52 more transcripts); c.102T>C, p.Pro34= (NM_001407581.1, NM_001407582.1, NM_001407583.1 and 192 more transcripts); c.-156T>C (NM_001407694.1, NM_001407696.1, NM_001407724.1 and 13 more transcripts); c.-160T>C (NM_001407695.1, NM_001408465.1); c.-40T>C (NM_001407697.1, NM_001407725.1, NM_001407728.1 and 47 more transcripts); c.-36T>C (NM_001407841.1); c.-203T>C (NM_001407889.1, NM_001407900.1, NM_001408492.1); c.-202T>C (NM_001407960.1, NM_001407962.1, NM_001408510.1 and 1 more transcripts); and 10 more.
Identifiers: ClinVar variation 867488 (VCV000867488.3), dbSNP rs1555599260, ClinGen allele CA500130052.

Conditions:
Breast-ovarian cancer, familial, susceptibility to, 1 (BROVCA1). Also called: BRCA1 Hereditary Breast and Ovarian Cancer; OVARIAN CANCER, SUSCEPTIBILITY TO. Identifiers: Orphanet 145, MedGen C2676676, MONDO:0011450, OMIM 604370. Disease mechanism: loss of function.

Submission:

Brotman Baty Institute, University of Washington
No classification provided (evidence only). Condition: Breast-ovarian cancer, familial 1. Review status: no classification provided. Collection method: in vitro. Allele origin: not applicable. Functional consequence: functionally_normal.
ClinVar note: "not provided" was previously submitted as the classification for the variant. However, the classification appeared to be based only on an observation of functional data so it was converted to no classification on 2025-07-30.